The following is an entry in ClinVar:

ClinVar aggregate classification (germline): Uncertain significance (1 of 4 stars; one submission).

Conditions:
Inflammatory bowel disease 28. Also called: Inflammatory bowel disease 28, early onset, autosomal recessive. Identifiers: Orphanet 238569, MedGen C2751053, MONDO:0013153, OMIM 613148.

Allele frequency attached by ClinVar (database versions not stated): gnomAD 0.00001; ExAC 0.00002; gnomAD exomes 0.00002 and 0.00003; TOPMed 0.00002.
gnomAD v4.1: 29 of 1,614,060 alleles (0.0018%); highest among the groups gnomAD compares: South Asian, 0.0066%; no homozygotes.

Submission:

Labcorp Genetics (formerly Invitae), Labcorp
Classification: Uncertain significance for Inflammatory bowel disease 28. Last evaluated: 2024-10-29. Review status: criteria provided, single submitter. Criteria: Invitae Variant Classification Sherloc (09022015). Collection method: clinical testing. Allele origin: germline.
Comment: This sequence change replaces arginine, which is basic and polar, with glutamine, which is neutral and polar, at codon 97 of the IL10RA protein (p.Arg97Gln). This variant is present in population databases (rs752043400, gnomAD 0.006%). This variant has not been reported in the literature in individuals affected with IL10RA-related conditions. ClinVar contains an entry for this variant (Variation ID: 1403179). Invitae Evidence Modeling of protein sequence and biophysical properties (such as structural, functional, and spatial information, amino acid conservation, physicochemical variation, residue mobility, and thermodynamic stability) has been performed for this missense variant. However, the output from this modeling did not meet the statistical confidence thresholds required to predict the impact of this variant on IL10RA protein function. In summary, the available evidence is currently insufficient to determine the role of this variant in disease. Therefore, it has been classified as a Variant of Uncertain Significance.

NM_001558.4(IL10RA):c.290G>A (p.Arg97Gln)

Gene: IL10RA (interleukin 10 receptor subunit alpha; plus strand). Cytogenetic location: 11q23.3.
Variant type: single nucleotide variant.
Coding change: c.290G>A on transcript NM_001558.4 (MANE Select); coding-DNA position 290, G replaced by A.
Protein change: p.Arg97Gln; replaces arginine 97 with glutamine.
Molecular consequence: missense variant. On other transcripts: non-coding transcript variant (1).
Genome position (GRCh38, 1-based): chr11:117,989,543, G>A. VCF-style: chr11-117989543-G-A. GRCh37 (hg19) VCF-style: chr11-117860258-G-A.
Other names: short protein forms R97Q.
Identifiers: ClinVar variation 1403179 (VCV001403179.6), dbSNP rs752043400, ClinGen allele CA6298888.
Genomic context (GRCh38, chr11:117,989,543, plus strand): 5'-AGACCCTGTCCTATGACCTTACCGCAGTGACCTTGGACCTGTACCACAGCAATGGCTACC[G>A]GGCCAGAGTGCGGGCTGTGGACGGCAGCCGGCACTCCAACTGGACCGTCACCAACACCCG-3'
Protein context (NP_001549.2, residues 87-107): TLDLYHSNGY[Arg97Gln]ARVRAVDGSR